The following is an entry in ClinVar:

NM_001098668.4(SFTPA2):c.-23-177C>A

Gene: SFTPA2 (surfactant protein A2; minus strand). Cytogenetic location: 10q22.3.
Variant type: single nucleotide variant.
Coding change: c.-23-177C>A on transcript NM_001098668.4 (MANE Select); 177 bases into the intron before 23 bases upstream of the start codon, C replaced by A.
Molecular consequence: intron variant. On other transcripts: 5 prime UTR variant (1).
Genome position (GRCh38, 1-based): chr10:79,559,683, G>T on the plus strand (C>A on the coding strand, the complement: SFTPA2 is on the minus strand). VCF-style: chr10-79559683-G-T. GRCh37 (hg19) VCF-style: chr10-81319439-G-T.
Other names: c.-2C>A (NM_001320814.1); c.-26-174C>A (NM_001320813.2).
Identifiers: ClinVar variation 3033840 (VCV003033840.2), dbSNP rs746928576, ClinGen allele CA5574286.
Genomic context (GRCh38, chr10:79,559,683, plus strand): 5'-AGTGCTGGGAAGACCCGAAGCACCCGGGAAAATTCCAAGCATCACCTGGCACCTGGCATG[G>T]CCTCATGCTTCAGGCCTCCGGCTGGAGGTTGTGGGGTCTCAAGACTGCTGAGGAGGAGGA-3'

ClinVar aggregate classification (germline): Likely benign (0 of 4 stars; one submission).

Conditions:
SFTPA2-related disorder. Also called: SFTPA2-related condition.

Allele frequency attached by ClinVar (database versions not stated): 1000 Genomes Project 30x 0.00031.
gnomAD v4.1: 49 of 1,551,646 alleles (0.0032%); highest among the groups gnomAD compares: Admixed American, 0.096%; 1 homozygote.

Submission:

PreventionGenetics, part of Exact Sciences
Classification: Likely benign for SFTPA2-related condition. Last evaluated: 2022-07-22. Review status: no assertion criteria provided. Collection method: clinical testing. Allele origin: germline.
Comment: This variant is classified as likely benign based on ACMG/AMP sequence variant interpretation guidelines (Richards et al. 2015 PMID: 25741868, with internal and published modifications).